The following is an entry in ClinVar:

ClinVar aggregate classification (germline): Uncertain significance (1 of 4 stars; one submission).

Conditions:
Cystic fibrosis (CF). Also called: MUCOVISCIDOSIS. Identifiers: Orphanet 586, MedGen C0010674, MONDO:0009061, OMIM 219700. Disease mechanism: loss of function.

Submission:

Ambry Genetics
Classification: Uncertain significance for Cystic fibrosis. Last evaluated: 2025-10-22. Review status: criteria provided, single submitter. Criteria: Ambry Variant Classification Scheme 2023. Collection method: clinical testing. Allele origin: germline.
Comment: The p.S1058T variant (also known as c.3173G>C), located in coding exon 20 of the CFTR gene, results from a G to C substitution at nucleotide position 3173. The serine at codon 1058 is replaced by threonine, an amino acid with similar properties. This amino acid position is conserved. In addition, the in silico prediction for this alteration is inconclusive. Based on the available evidence, the clinical significance of this variant remains unclear.

NM_000492.4(CFTR):c.3173G>C (p.Ser1058Thr)

Genes: CFTR (CF transmembrane conductance regulator; plus strand), CFTR-AS2 (CFTR antisense RNA 2; minus strand), LOC111674472 (DNase I hypersensitive sites in introns 16 and 17a of CFTR; plus strand). Cytogenetic location: 7q31.2.
Variant type: single nucleotide variant.
Coding change: c.3173G>C on transcript NM_000492.4 (MANE Select); coding-DNA position 3173, G replaced by C.
Protein change: p.Ser1058Thr; replaces serine 1058 with threonine.
Molecular consequence: missense variant.
Genome position (GRCh38, 1-based): chr7:117,611,614, G>C. VCF-style: chr7-117611614-G-C. GRCh37 (hg19) VCF-style: chr7-117251668-G-C.
Other names: short protein forms S1058T.
Identifiers: ClinVar variation 4648383 (VCV004648383.1).